The following is an entry in ClinVar:

NM_002439.5(MSH3):c.498del (p.Lys165_Cys166insTer)

Gene: MSH3 (mutS homolog 3; plus strand). Cytogenetic location: 5q14.1.
Variant type: Deletion.
Coding change: c.498del on transcript NM_002439.5 (MANE Select); coding-DNA position 498, one base deleted (T; older notation c.498delT).
Protein change: p.Lys165_Cys166insTer.
Molecular consequence: nonsense.
Genome position (GRCh38, 1-based): chr5:80,665,282, T deleted. VCF-style (leftmost placement, unchanged base first): chr5-80665281-GT-G. GRCh37 (hg19) VCF-style: chr5-79961100-GT-G.
Identifiers: ClinVar variation 4654330 (VCV004654330.1).

ClinVar aggregate classification (germline): Pathogenic (1 of 4 stars; one submission).

Conditions:
Hereditary cancer-predisposing syndrome. Also called: Neoplastic Syndromes, Hereditary; Tumor predisposition; Hereditary Cancer Syndrome; Hereditary neoplastic syndrome. Identifiers: Orphanet 140162, MedGen C0027672, MeSH D009386, MONDO:0015356.

Submission:

Ambry Genetics
Classification: Pathogenic for Hereditary cancer-predisposing syndrome. Last evaluated: 2025-10-02. Review status: criteria provided, single submitter. Criteria: Ambry Variant Classification Scheme 2023. Collection method: clinical testing. Allele origin: germline.
Comment: The c.498delT pathogenic mutation, located in coding exon 3 of the MSH3 gene, results from a deletion of one nucleotide at nucleotide position 498, causing a translational frameshift with a predicted alternate stop codon (p.C166*). This variant is considered to be rare based on population cohorts in the Genome Aggregation Database (gnomAD). This alteration is expected to result in loss of function by premature protein truncation or nonsense-mediated mRNA decay. As such, this alteration is interpreted as a disease-causing mutation.